The following is an entry in ClinVar:

NM_001267550.2(TTN):c.57250A>T (p.Lys19084Ter)

Genes: TTN (titin; minus strand), TTN-AS1 (TTN antisense RNA 1; plus strand). Cytogenetic location: 2q31.2.
Variant type: single nucleotide variant.
Coding change: c.57250A>T on transcript NM_001267550.2 (MANE Select); coding-DNA position 57250, A replaced by T.
Protein change: p.Lys19084Ter; replaces lysine 19084 with a stop codon.
Molecular consequence: nonsense.
Genome position (GRCh38, 1-based): chr2:178,597,920, T>A on the plus strand (A>T on the coding strand, the complement: TTN is on the minus strand). VCF-style: chr2-178597920-T-A. GRCh37 (hg19) VCF-style: chr2-179462647-T-A.
Other names: c.52327A>T, p.Lys17443Ter (NM_001256850.1); c.30055A>T, p.Lys10019Ter (NM_003319.4); c.49546A>T, p.Lys16516Ter (NM_133378.4); c.30430A>T, p.Lys10144Ter (NM_133432.3); c.30631A>T, p.Lys10211Ter (NM_133437.4); short protein forms K16516*, K19084*, K17443*, K10019*, K10144*, K10211*.
Identifiers: ClinVar variation 947492 (VCV000947492.10), dbSNP rs2052181050, ClinGen allele CA349522400.

ClinVar aggregate classification (germline): Likely pathogenic (1 of 4 stars; one submission).

Conditions:
Autosomal recessive limb-girdle muscular dystrophy type 2J (LGMDR10). Also called: Limb-girdle muscular dystrophy, type 2J; MUSCULAR DYSTROPHY, LIMB-GIRDLE, AUTOSOMAL RECESSIVE 10. Identifiers: Orphanet 140922, MedGen C1837342, MONDO:0012127, OMIM 608807.
Dilated cardiomyopathy 1G (CMD1G). Identifiers: Orphanet 154, MedGen C1858763, MONDO:0011400, OMIM 604145.

Submission:

Labcorp Genetics (formerly Invitae), Labcorp
Classification: Likely pathogenic for Dilated cardiomyopathy 1G; Autosomal recessive limb-girdle muscular dystrophy type 2J. Last evaluated: 2019-07-17. Review status: criteria provided, single submitter. Criteria: Invitae Variant Classification Sherloc (09022015). Collection method: clinical testing. Allele origin: germline.
Comment: In summary, the currently available evidence indicates that the variant is pathogenic, but additional data are needed to prove that conclusively. Therefore, this variant has been classified as Likely Pathogenic. This sequence change results in a premature translational stop signal in the TTN gene (p.Lys19084*). While this is not anticipated to result in nonsense mediated decay, it is expected to create a truncated TTN protein. This variant is not present in population databases (ExAC no frequency). This variant has not been reported in the literature in individuals with TTN-related conditions. Algorithms developed to predict the effect of sequence changes on RNA splicing suggest that this variant may create or strengthen a splice site, but this prediction has not been confirmed by published transcriptional studies. This variant is located in the A band of TTN (PMID: 25589632). Truncating variants in this region are significantly overrepresented in patients affected with dilated cardiomyopathy (PMID: 25589632). Truncating variants in this region have also been reported in individuals affected with autosomal recessive centronuclear myopathy (PMID: 23975875).

Literature cited by the submitters: PubMed 25589632; PubMed 23975875.